The following is an entry in ClinVar:

NM_004456.5(EZH2):c.688A>T (p.Met230Leu)

Gene: EZH2 (enhancer of zeste 2 polycomb repressive complex 2 subunit; minus strand). Cytogenetic location: 7q36.1.
Variant type: single nucleotide variant.
Coding change: c.688A>T on transcript NM_004456.5 (MANE Select); coding-DNA position 688, A replaced by T.
Protein change: p.Met230Leu; replaces methionine 230 with leucine.
Molecular consequence: missense variant.
Genome position (GRCh38, 1-based): chr7:148,827,204, T>A on the plus strand (A>T on the coding strand, the complement: EZH2 is on the minus strand). VCF-style: chr7-148827204-T-A. GRCh37 (hg19) VCF-style: chr7-148524296-T-A.
Other names: c.688A>T, p.Met230Leu (NM_001203247.2); c.661A>T, p.Met221Leu (NM_001203248.2, NM_001203249.2); c.571A>T, p.Met191Leu (NM_152998.3); short protein forms M191L, M221L, M230L.
Identifiers: ClinVar variation 4744357 (VCV004744357.1).

ClinVar aggregate classification (germline): Uncertain significance (1 of 4 stars; one submission).

Conditions:
Weaver syndrome (WVS). Also called: Weaver Smith syndrome; Overgrowth syndrome with accelerated skeletal maturation, unusual facies, and camptodactyly. Identifiers: Orphanet 3447, MedGen C0265210, MONDO:0010193, OMIM 277590.

Submission:

Labcorp Genetics (formerly Invitae), Labcorp
Classification: Uncertain significance for Weaver syndrome. Last evaluated: 2025-09-27. Review status: criteria provided, single submitter. Criteria: Invitae Variant Classification Sherloc (09022015). Collection method: clinical testing. Allele origin: germline.
Comment: This sequence change replaces methionine, which is neutral and non-polar, with leucine, which is neutral and non-polar, at codon 230 of the EZH2 protein (p.Met230Leu). This variant is not present in population databases (gnomAD no frequency). This variant has not been reported in the literature in individuals affected with EZH2-related conditions. Invitae Evidence Modeling of protein sequence and biophysical properties (such as structural, functional, and spatial information, amino acid conservation, physicochemical variation, residue mobility, and thermodynamic stability) indicates that this missense variant is not expected to disrupt EZH2 protein function with a negative predictive value of 80%. In summary, the available evidence is currently insufficient to determine the role of this variant in disease. Therefore, it has been classified as a Variant of Uncertain Significance.